The following is an entry in ClinVar:

NM_000051.4(ATM):c.8034A>C (p.Gly2678=)

Genes: ATM (ATM serine/threonine kinase; plus strand), C11orf65 (chromosome 11 open reading frame 65; minus strand). Cytogenetic location: 11q22.3.
Variant type: single nucleotide variant.
Coding change: c.8034A>C on transcript NM_000051.4 (MANE Select); coding-DNA position 8034, A replaced by C.
Protein change: p.Gly2678=; no amino-acid change (glycine 2678 retained).
Molecular consequence: synonymous variant. On other transcripts: intron variant (2).
Genome position (GRCh38, 1-based): chr11:108,334,992, A>C. VCF-style: chr11-108334992-A-C. GRCh37 (hg19) VCF-style: chr11-108205719-A-C.
Other names: c.*38+228T>G (NM_001351110.2); c.8034A>C, p.Gly2678= (NM_001351834.2); c.641-25921T>G (NM_001330368.2).
Identifiers: ClinVar variation 3254253 (VCV003254253.1), dbSNP rs2547328741.

ClinVar aggregate classification (germline): Benign (1 of 4 stars; one submission).

Conditions:
Familial cancer of breast. Also called: hereditary breast carcinoma; BREAST CANCER, FAMILIAL; Hereditary breast cancer. Identifiers: Orphanet 227535, MedGen C0346153, MONDO:0016419, OMIM 114480. Disease mechanism: loss of function.

Submission:

Myriad Genetics, Inc.
Classification: Benign for Familial cancer of breast. Last evaluated: 2024-06-18. Review status: criteria provided, single submitter. Criteria: Myriad Autosomal Dominant, Autosomal Recessive and X-Linked Classification Criteria (2023). Collection method: clinical testing. Allele origin: unknown.
Comment: This variant is considered benign. This variant is a silent/synonymous amino acid change and it is not expected to impact splicing.